The following is an entry in ClinVar:

NM_001368067.1(LDB3):c.803G>A (p.Arg268His)

Gene: LDB3 (LIM domain binding 3; plus strand). Cytogenetic location: 10q23.2.
Variant type: single nucleotide variant.
Coding change: c.803G>A on transcript NM_001368067.1 (MANE Plus Clinical); coding-DNA position 803, G replaced by A.
Protein change: p.Arg268His; replaces arginine 268 with histidine.
Molecular consequence: missense variant. On other transcripts: intron variant (6).
Genome position (GRCh38, 1-based): chr10:86,699,325, G>A. VCF-style: chr10-86699325-G-A. GRCh37 (hg19) VCF-style: chr10-88459082-G-A.
Other names: c.944G>A, p.Arg315His (NM_001080115.2, NM_001368063.1); c.803G>A, p.Arg268His (NM_001080116.1, NM_001368068.1); c.1148G>A, p.Arg383His (NM_001171611.2); c.896+6754G>A (NM_001368064.1, NM_007078.3, NM_001368065.1); c.1100+6754G>A (NM_001171610.2); c.755+6754G>A (NM_001368066.1, NM_001080114.2); c.944G>A (NM_001080115.1); short protein forms R383H, R268H, R315H.
Identifiers: ClinVar variation 836699 (VCV000836699.16), dbSNP rs751981682, ClinGen allele CA5584980.

ClinVar aggregate classification (germline): Uncertain significance. Review status: criteria provided, multiple submitters, no conflicts (2 of 4 stars). 5 submissions from 5 submitters: Uncertain significance (4). 1 of the submissions does not count toward it. Last evaluated 2025-06-02.

Conditions:
LDB3-related disorder. Also called: LDB3-related condition.
Cardiovascular phenotype. Identifiers: MedGen CN230736.
Myofibrillar myopathy 4. Also called: Zaspopathy (type). Identifiers: Orphanet 98912, MedGen C4721886, MONDO:0012277, OMIM 609452.

Allele frequency attached by ClinVar (database versions not stated): ExAC 0.00001; gnomAD 0.00001 and 0.00002; gnomAD exomes 0.00001 and 0.00002.
gnomAD v4.1: 31 of 1,613,584 alleles (0.0019%); highest among the groups gnomAD compares: Middle Eastern, 0.016%; no homozygotes.

Submissions (5):

Labcorp Genetics (formerly Invitae), Labcorp
Classification: Uncertain significance for Myofibrillar myopathy 4. Last evaluated: 2025-06-02. Review status: criteria provided, single submitter. Criteria: Invitae Variant Classification Sherloc (09022015). Collection method: clinical testing. Allele origin: germline.
Comment: This sequence change replaces arginine, which is basic and polar, with histidine, which is basic and polar, at codon 268 of the LDB3 protein (p.Arg268His). This variant is present in population databases (rs751981682, gnomAD 0.002%). This variant has not been reported in the literature in individuals affected with LDB3-related conditions. ClinVar contains an entry for this variant (Variation ID: 836699). An algorithm developed to predict the effect of missense changes on protein structure and function (PolyPhen-2) suggests that this variant is likely to be disruptive. In summary, the available evidence is currently insufficient to determine the role of this variant in disease. Therefore, it has been classified as a Variant of Uncertain Significance.

Revvity Omics, Revvity
Classification: Uncertain significance. Last evaluated: 2023-05-16. Review status: criteria provided, single submitter. Criteria: ACMG Guidelines, 2015. Collection method: clinical testing. Allele origin: germline.

Ambry Genetics
Classification: Uncertain significance for Cardiovascular phenotype. Last evaluated: 2018-03-06. Review status: criteria provided, single submitter. Criteria: Ambry Variant Classification Scheme 2023. Collection method: clinical testing. Allele origin: germline.
Comment: The p.R268H variant (also known as c.803G>A), located in coding exon 8 of the LDB3 gene, results from a G to A substitution at nucleotide position 803. The arginine at codon 268 is replaced by histidine, an amino acid with highly similar properties. An alternate amino acid substitution p.R268C has been reported in an individual with later age of onset myofibrillar myopathy without cardiac involvement (Selcen D et al. Ann. Neurol., 2005 Feb;57:269-76). This amino acid position is well conserved in available vertebrate species. In addition, this alteration is predicted to be tolerated by in silico analysis. Since supporting evidence is limited at this time, the clinical significance of this alteration remains unclear.

Breakthrough Genomics
Classification: Uncertain significance. Review status: criteria provided, single submitter. Criteria: ACMG Guidelines, 2015. Collection method: not provided. Allele origin: germline. Inheritance: Autosomal dominant inheritance. Affected: yes.

PreventionGenetics, part of Exact Sciences
Classification: Uncertain significance for LDB3-related condition. Last evaluated: 2024-09-08. Review status: no assertion criteria provided. Collection method: clinical testing. Allele origin: germline. Not counted in ClinVar's aggregate classification.
Comment: The LDB3 c.944G>A variant is predicted to result in the amino acid substitution p.Arg315His. To our knowledge, this variant has not been reported in the literature. This variant is reported in 0.0018% of alleles in individuals of European (Non-Finnish) descent in gnomAD. At this time, the clinical significance of this variant is uncertain due to the absence of conclusive functional and genetic evidence.